The following is an entry in ClinVar:

NM_000553.6(WRN):c.2648T>A (p.Ile883Lys)

Gene: WRN (WRN RecQ like helicase; plus strand). Cytogenetic location: 8p12.
Variant type: single nucleotide variant.
Coding change: c.2648T>A on transcript NM_000553.6 (MANE Select); coding-DNA position 2648, T replaced by A.
Protein change: p.Ile883Lys; replaces isoleucine 883 with lysine.
Molecular consequence: missense variant.
Genome position (GRCh38, 1-based): chr8:31,124,539, T>A. VCF-style: chr8-31124539-T-A. GRCh37 (hg19) VCF-style: chr8-30982055-T-A.
Other names: short protein forms I883K.
Identifiers: ClinVar variation 999807 (VCV000999807.5), dbSNP rs978748975, ClinGen allele CA174884445.

ClinVar aggregate classification (germline): Uncertain significance (1 of 4 stars; one submission).

Conditions:
Werner syndrome (WRN). Identifiers: Orphanet 902, MedGen C0043119, MONDO:0010196, OMIM 277700.

Allele frequency attached by ClinVar (database versions not stated): gnomAD exomes below 0.00001.
gnomAD v4.1: 2 of 1,612,616 alleles (0.00012%); highest among the groups gnomAD compares: Admixed American, 0.0033%; no homozygotes.

Submission:

Labcorp Genetics (formerly Invitae), Labcorp
Classification: Uncertain significance for Werner syndrome. Last evaluated: 2023-12-25. Review status: criteria provided, single submitter. Criteria: Invitae Variant Classification Sherloc (09022015). Collection method: clinical testing. Allele origin: germline.
Comment: This sequence change replaces isoleucine, which is neutral and non-polar, with lysine, which is basic and polar, at codon 883 of the WRN protein (p.Ile883Lys). This variant is not present in population databases (gnomAD no frequency). This variant has not been reported in the literature in individuals affected with WRN-related conditions. ClinVar contains an entry for this variant (Variation ID: 999807). An algorithm developed to predict the effect of missense changes on protein structure and function (PolyPhen-2) suggests that this variant is likely to be disruptive. In summary, the available evidence is currently insufficient to determine the role of this variant in disease. Therefore, it has been classified as a Variant of Uncertain Significance.